The following is an entry in ClinVar:

ClinVar aggregate classification (germline): Uncertain significance (1 of 4 stars; one submission).

Conditions:
Hereditary spastic paraplegia 48. Also called: Spastic paraplegia 48; SPASTIC PARAPLEGIA 48, AUTOSOMAL RECESSIVE. Identifiers: Orphanet 306511, MedGen C3150901, MONDO:0013342, OMIM 613647.

Allele frequency attached by ClinVar (database versions not stated): gnomAD exomes 0.00003; gnomAD 0.00004 and 0.00005; TOPMed 0.00005; ESP Exome Variant Server 0.00008; ExAC 0.00013.
gnomAD v4.1: 35 of 1,547,284 alleles (0.0023%); highest among the groups gnomAD compares: African/African-American, 0.022%; no homozygotes.

Submission:

Labcorp Genetics (formerly Invitae), Labcorp
Classification: Uncertain significance for Hereditary spastic paraplegia 48. Last evaluated: 2020-02-26. Review status: criteria provided, single submitter. Criteria: Invitae Variant Classification Sherloc (09022015). Collection method: clinical testing. Allele origin: germline.
Comment: In summary, the available evidence is currently insufficient to determine the role of this variant in disease. Therefore, it has been classified as a Variant of Uncertain Significance. Algorithms developed to predict the effect of missense changes on protein structure and function (SIFT, PolyPhen-2, Align-GVGD) all suggest that this variant is likely to be tolerated, but these predictions have not been confirmed by published functional studies and their clinical significance is uncertain. This variant has not been reported in the literature in individuals with AP5Z1-related conditions. This variant is present in population databases (rs372555306, ExAC 0.1%). This sequence change replaces alanine with threonine at codon 597 of the AP5Z1 protein (p.Ala597Thr). The alanine residue is weakly conserved and there is a small physicochemical difference between alanine and threonine.

NM_014855.3(AP5Z1):c.1789G>A (p.Ala597Thr)

Gene: AP5Z1 (adaptor related protein complex 5 subunit zeta 1; plus strand). Cytogenetic location: 7p22.1.
Variant type: single nucleotide variant.
Coding change: c.1789G>A on transcript NM_014855.3 (MANE Select); coding-DNA position 1789, G replaced by A.
Protein change: p.Ala597Thr; replaces alanine 597 with threonine.
Molecular consequence: missense variant. On other transcripts: non-coding transcript variant (1).
Genome position (GRCh38, 1-based): chr7:4,789,913, G>A. VCF-style: chr7-4789913-G-A. GRCh37 (hg19) VCF-style: chr7-4829544-G-A.
Other names: c.1321G>A, p.Ala441Thr (NM_001364858.1); short protein forms A597T, A441T.
Identifiers: ClinVar variation 959484 (VCV000959484.7), dbSNP rs372555306, ClinGen allele CA4138026.